The following is an entry in ClinVar:

NM_031433.4(MFRP):c.666del (p.Thr223fs)

Genes: C1QTNF5 (C1q and TNF related 5; minus strand), MFRP (membrane frizzled-related protein; minus strand). Cytogenetic location: 11q23.3.
Variant type: Deletion.
Coding change: c.666del on transcript NM_031433.4 (MANE Select); coding-DNA position 666, one base deleted (C; older notation c.666delC).
Protein change: p.Thr223fs; shifts the reading frame from threonine 223.
Molecular consequence: frameshift variant. On other transcripts: 5 prime UTR variant (1).
Genome position (GRCh38, 1-based): chr11:119,344,980, G deleted on the plus strand (C on the coding strand, the reverse complement: MFRP is on the minus strand); the first of 6 consecutive G bases (chr11:119,344,980-119,344,985); deleting any one gives the same sequence. VCF-style (leftmost placement, unchanged base first): chr11-119344979-TG-T. GRCh37 (hg19) VCF-style: chr11-119215689-TG-T.
Other names: c.-1971del (NM_015645.5); short protein forms T223fs.
Identifiers: ClinVar variation 1069330 (VCV001069330.12), dbSNP rs1435204327, ClinGen allele CA645596090.

ClinVar aggregate classification (germline): Pathogenic/Likely pathogenic. Review status: criteria provided, multiple submitters, no conflicts (2 of 4 stars). 4 submissions from 4 submitters: Pathogenic (2); Likely pathogenic (2). Last evaluated 2025-05-26.

Conditions:
MFRP-related disorder. Also called: MFRP-related condition; MFRP-related disorders.
Nanophthalmos 2 (NNO2). Also called: NANOPHTHALMIA 2; NANOPHTHALMOS, AUTOSOMAL RECESSIVE. Identifiers: Orphanet 35612, MedGen C1836006, MONDO:0012299, OMIM 609549.
Isolated microphthalmia 5. Also called: Posterior Microphthalmia with Retinitis Pigmentosa, Foveoschisis, and Optic Disc Drusen. Identifiers: Orphanet 251279, MedGen C1970236, MONDO:0012605, OMIM 611040.

Submissions (4):

Dasa
Classification: Likely pathogenic. Last evaluated: 2025-05-26. Review status: criteria provided, single submitter. Criteria: DASA Assertion Criteria. Collection method: clinical testing. Allele origin: germline.
Comment: NM_031433.4(MFRP):c.666del (p.Thr223Argfs*83) is a frameshift variant in MFRP predicted to alter the reading frame and introduce a premature termination codon and is predicted to result in an absent or altered protein product. Loss of function is an established disease mechanism for MFRP-associated disorders. Also, this variant is rare in population databases. Based on the currently available evidence, this variant is classified as likely pathogenic.

Blueprint Genetics
Classification: Likely pathogenic for MFRP-related disorders. Last evaluated: 2024-11-25. Review status: criteria provided, single submitter. Criteria: ACMG Guidelines, 2015. Collection method: clinical testing. Allele origin: germline. Affected: yes. Observed: 2 variant alleles.

Labcorp Genetics (formerly Invitae), Labcorp
Classification: Pathogenic for Isolated microphthalmia 5. Last evaluated: 2024-08-11. Review status: criteria provided, single submitter. Criteria: Invitae Variant Classification Sherloc (09022015). Collection method: clinical testing. Allele origin: germline.
Comment: This sequence change creates a premature translational stop signal (p.Thr223Argfs*83) in the MFRP gene. It is expected to result in an absent or disrupted protein product. Loss-of-function variants in MFRP are known to be pathogenic (PMID: 12140190, 15976030, 20361016). This variant is not present in population databases (gnomAD no frequency). This variant has not been reported in the literature in individuals affected with MFRP-related conditions. ClinVar contains an entry for this variant (Variation ID: 1069330). For these reasons, this variant has been classified as Pathogenic.

Mendelics
Classification: Pathogenic for Nanophthalmos 2. Last evaluated: 2022-05-04. Review status: criteria provided, single submitter. Criteria: Mendelics Assertion Criteria 2019. Collection method: clinical testing. Allele origin: germline.

Literature cited by the submitters: PubMed 12140190 (cited by Labcorp Genetics (formerly Invitae), Labcorp); PubMed 15976030 (cited by Labcorp Genetics (formerly Invitae), Labcorp); PubMed 20361016 (cited by Labcorp Genetics (formerly Invitae), Labcorp).